The following is an entry in ClinVar:

NM_001303052.2(MYT1L):c.870G>A (p.Ser290=)

Gene: MYT1L (myelin transcription factor 1 like; minus strand). Cytogenetic location: 2p25.3.
Variant type: single nucleotide variant.
Coding change: c.870G>A on transcript NM_001303052.2 (MANE Select); coding-DNA position 870, G replaced by A.
Protein change: p.Ser290=; no amino-acid change (serine 290 retained).
Molecular consequence: synonymous variant.
Genome position (GRCh38, 1-based): chr2:1,922,899, C>T on the plus strand (G>A on the coding strand, the complement: MYT1L is on the minus strand). VCF-style: chr2-1922899-C-T. GRCh37 (hg19) VCF-style: chr2-1926671-C-T.
Other names: c.870G>A, p.Ser290= (NM_001329844.2, NM_001329845.1, NM_001329846.3 and 6 more transcripts).
Identifiers: ClinVar variation 5039158 (VCV005039158.1).

ClinVar aggregate classification (germline): Likely benign (1 of 4 stars; one submission).

gnomAD v4.1: 151 of 1,613,878 alleles (0.0094%); highest among the groups gnomAD compares: African/African-American, 0.023%; no homozygotes.

Submission:

CeGaT Center for Human Genetics Tuebingen
Classification: Likely benign. Last evaluated: 2026-08-01. Review status: criteria provided, single submitter. Criteria: CeGaT Center For Human Genetics Tuebingen Variant Classification Criteria Version 2. Collection method: clinical testing. Allele origin: germline. Affected: yes. Observed: 1 variant allele.
Comment: MYT1L: BP4, BP7